The following is an entry in ClinVar:

ClinVar aggregate classification (germline): Uncertain significance. Review status: criteria provided, multiple submitters, no conflicts (2 of 4 stars). 3 submissions from 3 submitters: Uncertain significance (3). Last evaluated 2025-10-21.

Conditions:
Charcot-Marie-Tooth disease type 4. Also called: Charcot-Marie-Tooth, Type 4; Charcot-Marie-Tooth disease, type IV. Identifiers: Orphanet 64749, MedGen C4082197, MONDO:0018995.
SH3TC2-related disorder. Also called: SH3TC2-related condition; SH3TC2-related disorders. Identifiers: MedGen CN239303.
Susceptibility to mononeuropathy of the median nerve, mild. Also called: CARPAL TUNNEL SYNDROME, SUSCEPTIBILITY TO. Identifiers: MedGen C3150596, MONDO:0013237, OMIM 613353.
Charcot-Marie-Tooth disease type 4C (CMT4C). Also called: CMT 4C; SH3TC2-Related Hereditary Motor and Sensory Neuropathy; Charcot-Marie-Tooth Neuropathy Type 4C (CMT4C); CHARCOT-MARIE-TOOTH DISEASE, DEMYELINATING, TYPE 4C; CHARCOT-MARIE-TOOTH DISEASE, DEMYELINATING, AUTOSOMAL RECESSIVE, TYPE 4C. Identifiers: Orphanet 99949, MedGen C1866636, MONDO:0011113, OMIM 601596.

Allele frequency attached by ClinVar (database versions not stated): gnomAD 0.00001; gnomAD exomes 0.00001 and 0.00002; TOPMed 0.00001; ExAC 0.00003.
gnomAD v4.1: 4 of 1,614,070 alleles (0.00025%); highest among the groups gnomAD compares: East Asian, 0.0089%; no homozygotes.

Submissions (3):

PreventionGenetics, part of Exact Sciences
Classification: Uncertain significance for SH3TC2-related condition. Last evaluated: 2025-10-21. Review status: criteria provided, single submitter. Criteria: ACMG Guidelines, 2015. Collection method: clinical testing. Allele origin: germline.
Comment: The SH3TC2 c.3710C>T variant is predicted to result in the amino acid substitution p.Ala1237Val. This variant was reported as a variant of uncertain significance in an individual with Charcot-Marie-Tooth disease (Table 2, Chen et al. 2019. PubMed ID: 31372974) and was reported with a second SH3TC2 frameshift variant in another patient with features of Charcot-Marie-Tooth disease (Sun et al. 2021. PubMed ID: 33587240). This variant is reported in 0.022% of alleles in individuals of East Asian descent in gnomAD. At this time, the clinical significance of this variant is uncertain due to the absence of conclusive functional and genetic evidence.

Department of Pathology and Laboratory Medicine, Sinai Health System
Classification: Uncertain significance for Charcot-Marie-Tooth disease type 4C; Susceptibility to mononeuropathy of the median nerve, mild. Last evaluated: 2023-03-09. Review status: criteria provided, single submitter. Criteria: ACMG Guidelines, 2015. Collection method: research. Allele origin: germline.

Labcorp Genetics (formerly Invitae), Labcorp
Classification: Uncertain significance for Charcot-Marie-Tooth disease type 4. Last evaluated: 2021-05-09. Review status: criteria provided, single submitter. Criteria: Invitae Variant Classification Sherloc (09022015). Collection method: clinical testing. Allele origin: germline.
Comment: In summary, the available evidence is currently insufficient to determine the role of this variant in disease. Therefore, it has been classified as a Variant of Uncertain Significance. Advanced modeling of protein sequence and biophysical properties (such as structural, functional, and spatial information, amino acid conservation, physicochemical variation, residue mobility, and thermodynamic stability) performed at Invitae indicates that this missense variant is not expected to disrupt SH3TC2 protein function. This variant has been observed in individual(s) with Charcot-Marie-Tooth disease (PMID: 31372974). This variant is present in population databases (rs778953792, ExAC 0.03%). This sequence change replaces alanine with valine at codon 1237 of the SH3TC2 protein (p.Ala1237Val). The alanine residue is highly conserved and there is a small physicochemical difference between alanine and valine.

Literature cited by the submitters: PubMed 31372974 (cited by Labcorp Genetics (formerly Invitae), Labcorp).

NM_024577.4(SH3TC2):c.3710C>T (p.Ala1237Val)

Gene: SH3TC2 (SH3 domain and tetratricopeptide repeats 2; minus strand). Cytogenetic location: 5q32.
Variant type: single nucleotide variant.
Coding change: c.3710C>T on transcript NM_024577.4 (MANE Select); coding-DNA position 3710, C replaced by T.
Protein change: p.Ala1237Val; replaces alanine 1237 with valine.
Molecular consequence: missense variant.
Genome position (GRCh38, 1-based): chr5:149,004,868, G>A on the plus strand (C>T on the coding strand, the complement: SH3TC2 is on the minus strand). VCF-style: chr5-149004868-G-A. GRCh37 (hg19) VCF-style: chr5-148384431-G-A.
Other names: c.3710C>T (NM_024577.3); short protein forms A1237V.
Identifiers: ClinVar variation 1491635 (VCV001491635.10), dbSNP rs778953792, ClinGen allele CA3498643.